The following is an entry in ClinVar:

ClinVar aggregate classification (germline): Uncertain significance (1 of 4 stars; one submission).

gnomAD v4.1: 4 of 1,613,592 alleles (0.00025%); highest among the groups gnomAD compares: East Asian, 0.0089%; no homozygotes.

Submission:

Labcorp Genetics (formerly Invitae), Labcorp
Classification: Uncertain significance. Last evaluated: 2025-12-06. Review status: criteria provided, single submitter. Criteria: Invitae Variant Classification Sherloc (09022015). Collection method: clinical testing. Allele origin: germline.
Comment: This sequence change replaces glutamic acid, which is acidic and polar, with lysine, which is basic and polar, at codon 2297 of the ACAN protein (p.Glu2297Lys). This variant is not present in population databases (gnomAD no frequency). This variant has not been reported in the literature in individuals affected with ACAN-related conditions. An algorithm developed to predict the effect of missense changes on protein structure and function outputs the following: PolyPhen-2: "Possibly Damaging". The lysine amino acid residue is found in multiple mammalian species, which suggests that this missense change does not adversely affect protein function. In summary, the available evidence is currently insufficient to determine the role of this variant in disease. Therefore, it has been classified as a Variant of Uncertain Significance.

NM_001369268.1(ACAN):c.6889G>A (p.Glu2297Lys)

Gene: ACAN (aggrecan; plus strand). Cytogenetic location: 15q26.1.
Variant type: single nucleotide variant.
Coding change: c.6889G>A on transcript NM_001369268.1 (MANE Select); coding-DNA position 6889, G replaced by A.
Protein change: p.Glu2297Lys; replaces glutamic acid 2297 with lysine.
Molecular consequence: missense variant. On other transcripts: intron variant (3).
Genome position (GRCh38, 1-based): chr15:88,860,382, G>A. VCF-style: chr15-88860382-G-A. GRCh37 (hg19) VCF-style: chr15-89403613-G-A.
Other names: c.6889G>A, p.Glu2297Lys (NM_013227.4); c.6832+965G>A (NM_001411097.1, NM_001411096.1, NM_001135.4); short protein forms E2297K.
Identifiers: ClinVar variation 4707217 (VCV004707217.1).
Genomic context (GRCh38, chr15:88,860,382, plus strand): 5'-GCAGCCCCCGCCAGGTCCTGTGCAGAGGAGCCCTGTGGAGCTGGGACCTGCAAGGAGACA[G>A]AGGGACACGTCATATGCCTGTGCCCCCCTGGCTACACTGGCGAGCACTGTAACATAGGTA-3'
Protein context (NP_001356197.1, residues 2287-2307): PCGAGTCKET[Glu2297Lys]GHVICLCPPG